The following is an entry in ClinVar:

NM_000810.4(GABRA5):c.1205C>T (p.Ser402Leu)

Gene: GABRA5 (gamma-aminobutyric acid type A receptor subunit alpha5; plus strand). Cytogenetic location: 15q12.
Variant type: single nucleotide variant.
Coding change: c.1205C>T on transcript NM_000810.4 (MANE Select); coding-DNA position 1205, C replaced by T.
Protein change: p.Ser402Leu; replaces serine 402 with leucine.
Molecular consequence: missense variant.
Genome position (GRCh38, 1-based): chr15:26,948,049, C>T. VCF-style: chr15-26948049-C-T. GRCh37 (hg19) VCF-style: chr15-27193196-C-T.
Other names: c.1205C>T, p.Ser402Leu (NM_001165037.2); short protein forms S402L.
Identifiers: ClinVar variation 3370130 (VCV003370130.1).

ClinVar aggregate classification (germline): Uncertain significance (1 of 4 stars; one submission).

Submission:

GeneDx
Classification: Uncertain significance. Last evaluated: 2023-12-20. Review status: criteria provided, single submitter. Criteria: GeneDx Variant Classification Process June 2021. Collection method: clinical testing. Allele origin: germline. Affected: yes.
Comment: Not observed at significant frequency in large population cohorts (gnomAD); In silico analysis supports that this missense variant does not alter protein structure/function; Has not been previously published as pathogenic or benign to our knowledge